The following is an entry in ClinVar:

ClinVar aggregate classification (germline): Likely benign (0 of 4 stars; one submission).

Conditions:
BBS1-related disorder. Also called: BBS1-related condition.

gnomAD v4.1: 4 of 372,456 alleles (0.0011%); highest among the groups gnomAD compares: Non-Finnish European, 0.0021%; no homozygotes.

Submission:

PreventionGenetics, part of Exact Sciences
Classification: Likely benign for BBS1-related condition. Last evaluated: 2023-07-12. Review status: no assertion criteria provided. Collection method: clinical testing. Allele origin: germline.
Comment: This variant is classified as likely benign based on ACMG/AMP sequence variant interpretation guidelines (Richards et al. 2015 PMID: 25741868, with internal and published modifications).

NM_024649.5(BBS1):c.1110+333G>C

Genes: BBS1 (Bardet-Biedl syndrome 1; plus strand), ZDHHC24 (zDHHC palmitoyltransferase 24; minus strand). Cytogenetic location: 11q13.2.
Variant type: single nucleotide variant.
Coding change: c.1110+333G>C on transcript NM_024649.5 (MANE Select); 333 bases into the intron after coding-DNA position 1110, G replaced by C.
Molecular consequence: intron variant.
Genome position (GRCh38, 1-based): chr11:66,524,215, G>C. VCF-style: chr11-66524215-G-C. GRCh37 (hg19) VCF-style: chr11-66291686-G-C.
Other names: c.*21+2721C>G (NM_001348571.2).
Identifiers: ClinVar variation 3350776 (VCV003350776.1).